The following is an entry in ClinVar:

NM_001399.5(EDA):c.917A>C (p.Gln306Pro)

Gene: EDA (ectodysplasin A; plus strand). Cytogenetic location: Xq13.1.
Variant type: single nucleotide variant.
Coding change: c.917A>C on transcript NM_001399.5 (MANE Select); coding-DNA position 917, A replaced by C.
Protein change: p.Gln306Pro; replaces glutamine 306 with proline.
Molecular consequence: missense variant.
Genome position (GRCh38, 1-based): chrX:70,033,521, A>C. VCF-style: chrX-70033521-A-C. GRCh37 (hg19) VCF-style: chrX-69253371-A-C.
Other names: c.917A>C, p.Gln306Pro (NM_001005609.2); c.908A>C, p.Gln303Pro (NM_001005612.3); short protein forms Q303P, Q306P.
Identifiers: ClinVar variation 2138596 (VCV002138596.4), dbSNP rs727503009, ClinGen allele CA413449053.

ClinVar aggregate classification (germline): Pathogenic (1 of 4 stars; one submission).

Conditions:
Hypohidrotic X-linked ectodermal dysplasia (XHED). Also called: ECTODERMAL DYSPLASIA 1; Ectodermal Dysplasia 1, Anhidrotic; ECTODERMAL DYSPLASIA 1, HYPOHIDROTIC/HAIR/TOOTH TYPE, X-LINKED; ECTODERMAL DYSPLASIA 1, HYPOHIDROTIC, X-LINKED; ECTODERMAL DYSPLASIA, HYPOHIDROTIC, 1; CST SYNDROME. Identifiers: Orphanet 181, Orphanet 238468, MedGen C0162359, MONDO:0010585, OMIM 305100.

Submission:

Labcorp Genetics (formerly Invitae), Labcorp
Classification: Pathogenic for Hypohidrotic X-linked ectodermal dysplasia. Last evaluated: 2022-03-15. Review status: criteria provided, single submitter. Criteria: Invitae Variant Classification Sherloc (09022015). Collection method: clinical testing. Allele origin: germline.
Comment: This sequence change replaces glutamine, which is neutral and polar, with proline, which is neutral and non-polar, at codon 306 of the EDA protein (p.Gln306Pro). This variant is not present in population databases (gnomAD no frequency). This missense change has been observed in individuals with ectodermal dysplasia (PMID: 20077893; Invitae). This variant is also known as c.907A>C. Advanced modeling of protein sequence and biophysical properties (such as structural, functional, and spatial information, amino acid conservation, physicochemical variation, residue mobility, and thermodynamic stability) performed at Invitae indicates that this missense variant is expected to disrupt EDA protein function. Algorithms developed to predict the effect of sequence changes on RNA splicing suggest that this variant may disrupt the consensus splice site. This variant disrupts the p.Gln306 amino acid residue in EDA. Other variant(s) that disrupt this residue have been determined to be pathogenic (PMID: 27264909; Invitae). This suggests that this residue is clinically significant, and that variants that disrupt this residue are likely to be disease-causing. For these reasons, this variant has been classified as Pathogenic.

Literature cited by the submitters: PubMed 20077893; PubMed 27264909.